The following is an entry in ClinVar:

ClinVar aggregate classification (germline): Uncertain significance. Review status: criteria provided, multiple submitters, no conflicts (2 of 4 stars). 4 submissions from 4 submitters: Uncertain significance (4). Last evaluated 2025-06-25.

Conditions:
PLEC-related disorder. Also called: PLEC-related disorders; PLEC-related condition.
Epidermolysis bullosa simplex 5B, with muscular dystrophy (EBS5B). Also called: Epidermolysis bullosa simplex with muscular dystrophy; EPIDERMOLYSIS BULLOSA SIMPLEX AND LIMB-GIRDLE MUSCULAR DYSTROPHY. Identifiers: Orphanet 257, MedGen C2931072, MONDO:0009181, OMIM 226670.
Epidermolysis bullosa simplex with nail dystrophy (EBS5D). Identifiers: MedGen C4225309, MONDO:0014661, OMIM 616487.
Epidermolysis bullosa simplex 5C, with pyloric atresia (EBS5C). Also called: PLEC-Related Epidermolysis Bullosa with Pyloric Atresia; Epidermolysis bullosa simplex with pyloric atresia; PLEC1-Related Epidermolysis Bullosa with Pyloric Atresia. Identifiers: Orphanet 158684, MedGen C2677349, MONDO:0012807, OMIM 612138.
Epidermolysis bullosa simplex, Ogna type (EBS5A). Also called: Pidermolysis bullosa simplex 5A, Ogna type; EPIDERMOLYSIS BULLOSA SIMPLEX 5A, OGNA TYPE. Identifiers: Orphanet 79401, MedGen C0432317, MONDO:0007555, OMIM 131950.
Autosomal recessive limb-girdle muscular dystrophy type 2Q (LGMDR17). Also called: MUSCULAR DYSTROPHY, LIMB-GIRDLE, AUTOSOMAL RECESSIVE 17. Identifiers: Orphanet 254361, MedGen C3150989, MONDO:0013390, OMIM 613723.
Inborn genetic diseases. Identifiers: MedGen C0950123, MeSH D030342.

Allele frequency attached by ClinVar (database versions not stated): gnomAD 0.00004 and 0.00006; ExAC 0.00005; gnomAD exomes 0.00005; TOPMed 0.00008; 1000 Genomes Project 30x 0.00016.
gnomAD v4.1: 87 of 1,612,054 alleles (0.0054%); highest among the groups gnomAD compares: East Asian, 0.12%; no homozygotes.

Submissions (4):

Labcorp Genetics (formerly Invitae), Labcorp
Classification: Uncertain significance for Autosomal recessive limb-girdle muscular dystrophy type 2Q; Epidermolysis bullosa simplex, Ogna type; Epidermolysis bullosa simplex with nail dystrophy; Epidermolysis bullosa simplex 5C, with pyloric atresia; Epidermolysis bullosa simplex 5B, with muscular dystrophy. Last evaluated: 2025-06-25. Review status: criteria provided, single submitter. Criteria: Invitae Variant Classification Sherloc (09022015). Collection method: clinical testing. Allele origin: germline.
Comment: This sequence change replaces arginine, which is basic and polar, with cysteine, which is neutral and slightly polar, at codon 3671 of the PLEC protein (p.Arg3671Cys). This variant is present in population databases (rs781932676, gnomAD 0.06%). This variant has not been reported in the literature in individuals affected with PLEC-related conditions. ClinVar contains an entry for this variant (Variation ID: 1015071). An algorithm developed to predict the effect of missense changes on protein structure and function (PolyPhen-2) suggests that this variant is likely to be disruptive. In summary, the available evidence is currently insufficient to determine the role of this variant in disease. Therefore, it has been classified as a Variant of Uncertain Significance.

PreventionGenetics, part of Exact Sciences
Classification: Uncertain significance for PLEC-related condition. Last evaluated: 2025-01-08. Review status: criteria provided, single submitter. Criteria: ACMG Guidelines, 2015. Collection method: clinical testing. Allele origin: germline.
Comment: The PLEC c.11011C>T variant is predicted to result in the amino acid substitution p.Arg3671Cys. To our knowledge, this variant has not been reported in the literature. This variant is reported in 0.051% of alleles in individuals of East Asian descent in gnomAD. Although we suspect that this variant may be benign, at this time, the clinical significance of this variant is uncertain due to the absence of conclusive functional and genetic evidence.

Ambry Genetics
Classification: Uncertain significance for Inborn genetic diseases. Last evaluated: 2021-10-22. Review status: criteria provided, single submitter. Criteria: Ambry Variant Classification Scheme 2023. Collection method: clinical testing. Allele origin: germline.

Revvity Omics, Revvity
Classification: Uncertain significance. Last evaluated: 2019-04-03. Review status: criteria provided, single submitter. Criteria: ACMG Guidelines, 2015. Collection method: clinical testing. Allele origin: germline.

NM_201384.3(PLEC):c.10930C>T (p.Arg3644Cys)

Gene: PLEC (plectin; minus strand). Cytogenetic location: 8q24.3.
Variant type: single nucleotide variant.
Coding change: c.10930C>T on transcript NM_201384.3 (MANE Select); coding-DNA position 10930, C replaced by T.
Protein change: p.Arg3644Cys; replaces arginine 3644 with cysteine.
Molecular consequence: missense variant.
Genome position (GRCh38, 1-based): chr8:143,918,891, G>A on the plus strand (C>T on the coding strand, the complement: PLEC is on the minus strand). VCF-style: chr8-143918891-G-A. GRCh37 (hg19) VCF-style: chr8-144993059-G-A.
Other names: c.11011C>T (NM_000445.3, NM_000445.4); c.10942C>T, p.Arg3648Cys (NM_201383.3); c.10930C>T, p.Arg3644Cys (NM_201382.4); c.11011C>T, p.Arg3671Cys (NM_000445.5); c.10888C>T, p.Arg3630Cys (NM_201378.4); c.10864C>T, p.Arg3622Cys (NM_201379.3); c.11341C>T, p.Arg3781Cys (NM_201380.4); c.10834C>T, p.Arg3612Cys (NM_201381.3); short protein forms R3612C, R3622C, R3630C, R3644C, R3648C, R3671C, R3781C.
Identifiers: ClinVar variation 1015071 (VCV001015071.11), dbSNP rs781932676, ClinGen allele CA4924494.